The following is an entry in ClinVar:

NM_032888.4(COL27A1):c.860G>A (p.Gly287Glu)

Gene: COL27A1 (collagen type XXVII alpha 1 chain; plus strand). Cytogenetic location: 9q32.
Variant type: single nucleotide variant.
Coding change: c.860G>A on transcript NM_032888.4 (MANE Select); coding-DNA position 860, G replaced by A.
Protein change: p.Gly287Glu; replaces glycine 287 with glutamic acid.
Molecular consequence: missense variant.
Genome position (GRCh38, 1-based): chr9:114,168,415, G>A. VCF-style: chr9-114168415-G-A. GRCh37 (hg19) VCF-style: chr9-116930695-G-A.
Other names: short protein forms G287E.
Identifiers: ClinVar variation 1913712 (VCV001913712.2), dbSNP rs749638923, ClinGen allele CA5201244.

ClinVar aggregate classification (germline): Uncertain significance (1 of 4 stars; one submission).

Allele frequency attached by ClinVar (database versions not stated): gnomAD exomes below 0.00001; TOPMed below 0.00001; ExAC 0.00001.

Submission:

Labcorp Genetics (formerly Invitae), Labcorp
Classification: Uncertain significance. Last evaluated: 2022-10-04. Review status: criteria provided, single submitter. Criteria: Invitae Variant Classification Sherloc (09022015). Collection method: clinical testing. Allele origin: germline.
Comment: This sequence change replaces glycine, which is neutral and non-polar, with glutamic acid, which is acidic and polar, at codon 287 of the COL27A1 protein (p.Gly287Glu). This variant is present in population databases (rs749638923, gnomAD 0.003%). This variant has not been reported in the literature in individuals affected with COL27A1-related conditions. Advanced modeling of protein sequence and biophysical properties (such as structural, functional, and spatial information, amino acid conservation, physicochemical variation, residue mobility, and thermodynamic stability) performed at Invitae indicates that this missense variant is not expected to disrupt COL27A1 protein function. In summary, the available evidence is currently insufficient to determine the role of this variant in disease. Therefore, it has been classified as a Variant of Uncertain Significance.